The following is an entry in ClinVar:

ClinVar aggregate classification (germline): Uncertain significance (1 of 4 stars; one submission).

Allele frequency attached by ClinVar (database versions not stated): TOPMed below 0.00001.

Submission:

Labcorp Genetics (formerly Invitae), Labcorp
Classification: Uncertain significance. Last evaluated: 2025-02-17. Review status: criteria provided, single submitter. Criteria: Invitae Variant Classification Sherloc (09022015). Collection method: clinical testing. Allele origin: germline.
Comment: This sequence change falls in intron 6 of the IREB2 gene. It does not directly change the encoded amino acid sequence of the IREB2 protein. It affects a nucleotide within the consensus splice site. This variant is not present in population databases (gnomAD no frequency). This variant has not been reported in the literature in individuals affected with IREB2-related conditions. ClinVar contains an entry for this variant (Variation ID: 2010118). Variants that disrupt the consensus splice site are a relatively common cause of aberrant splicing (PMID: 17576681, 9536098). Algorithms developed to predict the effect of sequence changes on RNA splicing suggest that this variant is not likely to affect RNA splicing. In summary, the available evidence is currently insufficient to determine the role of this variant in disease. Therefore, it has been classified as a Variant of Uncertain Significance.

Literature cited by the submitters: PubMed 17576681; PubMed 9536098.

NM_004136.4(IREB2):c.699+6A>G

Gene: IREB2 (iron responsive element binding protein 2; plus strand). Cytogenetic location: 15q25.1.
Variant type: single nucleotide variant.
Coding change: c.699+6A>G on transcript NM_004136.4 (MANE Select); 6 bases into the intron after coding-DNA position 699, A replaced by G.
Molecular consequence: intron variant.
Genome position (GRCh38, 1-based): chr15:78,470,607, A>G. VCF-style: chr15-78470607-A-G. GRCh37 (hg19) VCF-style: chr15-78762949-A-G.
Other names: c.528+6A>G (NM_001354994.2, NM_001320942.2); c.-51-1134A>G (NM_001320941.2); c.699+6A>G (NM_001320943.2).
Identifiers: ClinVar variation 2010118 (VCV002010118.4), dbSNP rs2051359163, ClinGen allele CA2189522094.